The following is an entry in ClinVar:

ClinVar aggregate classification (germline): Benign/Likely benign. Review status: criteria provided, multiple submitters, no conflicts (2 of 4 stars). 11 submissions from 11 submitters: Benign (3); Likely benign (4). 4 of the submissions do not count toward it. Last evaluated 2026-09-01.

Conditions:
Cardiovascular phenotype. Identifiers: MedGen CN230736.
Distal myopathy with posterior leg and anterior hand involvement. Also called: WILLIAMS DISTAL MYOPATHY. Identifiers: Orphanet 63273, MedGen C3279722, MONDO:0013550, OMIM 614065.
Hypertrophic cardiomyopathy 26. Also called: Cardiomyopathy, familial hypertrophic, 26. Identifiers: Orphanet 75249, MedGen C4310749, MONDO:0014883, OMIM 617047.
Myofibrillar myopathy 5. Also called: Filaminopathy (type); FILAMINOPATHY, AUTOSOMAL DOMINANT. Identifiers: Orphanet 171445, MedGen C1836050, MONDO:0012289, OMIM 609524.

Allele frequency attached by ClinVar (database versions not stated): gnomAD 0.00008 and 0.00021; TOPMed 0.00014; gnomAD exomes 0.00042 and 0.00066; ExAC 0.00079; 1000 Genomes Project 0.00080; 1000 Genomes Project 30x 0.00094.

Submissions (11):

CeGaT Center for Human Genetics Tuebingen
Classification: Likely benign. Last evaluated: 2026-09-01. Review status: criteria provided, single submitter. Criteria: CeGaT Center For Human Genetics Tuebingen Variant Classification Criteria Version 2. Collection method: clinical testing. Allele origin: germline. Affected: yes. Observed: 4 variant alleles.
Comment: FLNC: BS1

Labcorp Genetics (formerly Invitae), Labcorp
Classification: Benign for Distal myopathy with posterior leg and anterior hand involvement; Myofibrillar myopathy 5; Hypertrophic cardiomyopathy 26. Last evaluated: 2026-02-02. Review status: criteria provided, single submitter. Criteria: Invitae Variant Classification Sherloc (09022015). Collection method: clinical testing. Allele origin: germline.

Molecular Diagnostic Laboratory for Inherited Cardiovascular Disease, Montreal Heart Institute
Classification: Likely benign. Last evaluated: 2025-04-09. Review status: criteria provided, single submitter. Criteria: ACMG Guidelines, 2015. Collection method: clinical testing. Allele origin: germline. Affected: no.
Comment: BS1;BP6

Blueprint Genetics
Classification: Likely benign. Last evaluated: 2024-11-13. Review status: criteria provided, single submitter. Criteria: ACMG Guidelines, 2015. Collection method: clinical testing. Allele origin: germline.

GeneDx
Classification: Benign. Last evaluated: 2021-01-14. Review status: criteria provided, single submitter. Criteria: GeneDx Variant Classification Process June 2021. Collection method: clinical testing. Allele origin: germline. Affected: yes.
Comment: This variant is associated with the following publications: (PMID: 28356264)

Ambry Genetics
Classification: Likely benign for Cardiovascular phenotype. Last evaluated: 2019-08-15. Review status: criteria provided, single submitter. Criteria: Ambry Variant Classification Scheme 2023. Collection method: clinical testing. Allele origin: germline.

Breakthrough Genomics
Classification: Benign. Review status: criteria provided, single submitter. Criteria: ACMG Guidelines, 2015. Collection method: not provided. Allele origin: germline. Inheritance: Autosomal dominant inheritance. Affected: yes.

Clinical Genetics DNA and cytogenetics Diagnostics Lab, Erasmus MC, Erasmus Medical Center
Classification: Likely benign. Review status: no assertion criteria provided. Collection method: clinical testing. Allele origin: germline. Affected: yes. Study: VKGL Data-share Consensus. Not counted in ClinVar's aggregate classification.

Clinical Genetics, Academic Medical Center
Classification: Benign. Review status: no assertion criteria provided. Collection method: clinical testing. Allele origin: germline. Affected: yes. Study: VKGL Data-share Consensus. Not counted in ClinVar's aggregate classification.

Genome Diagnostics Laboratory, University Medical Center Utrecht
Classification: Likely benign. Review status: no assertion criteria provided. Collection method: clinical testing. Allele origin: germline. Affected: yes. Study: VKGL Data-share Consensus. Not counted in ClinVar's aggregate classification.

Laboratory of Diagnostic Genome Analysis, Leiden University Medical Center (LUMC)
Classification: Likely benign. Review status: no assertion criteria provided. Collection method: clinical testing. Allele origin: germline. Affected: yes. Study: VKGL Data-share Consensus. Not counted in ClinVar's aggregate classification.

NM_001458.5(FLNC):c.6988G>A (p.Gly2330Ser)

Genes: FLNC (filamin C; plus strand), FLNC-AS1 (FLNC antisense RNA 1; minus strand). Cytogenetic location: 7q32.1.
Variant type: single nucleotide variant.
Coding change: c.6988G>A on transcript NM_001458.5 (MANE Select); coding-DNA position 6988, G replaced by A.
Protein change: p.Gly2330Ser; replaces glycine 2330 with serine.
Molecular consequence: missense variant.
Genome position (GRCh38, 1-based): chr7:128,854,673, G>A. VCF-style: chr7-128854673-G-A. GRCh37 (hg19) VCF-style: chr7-128494727-G-A.
Other names: c.6889G>A, p.Gly2297Ser (NM_001127487.2); short protein forms G2330S, G2297S.
Identifiers: ClinVar variation 472155 (VCV000472155.49), dbSNP rs527248119, ClinGen allele CA4476125.